The following is an entry in ClinVar:

NM_052845.4(MMAB):c.25C>T (p.Arg9Cys)

Genes: MMAB (metabolism of cobalamin associated B; minus strand), MVK (mevalonate kinase; plus strand). Cytogenetic location: 12q24.11.
Variant type: single nucleotide variant.
Coding change: c.25C>T on transcript NM_052845.4 (MANE Select); coding-DNA position 25, C replaced by T.
Protein change: p.Arg9Cys; replaces arginine 9 with cysteine.
Molecular consequence: missense variant. On other transcripts: non-coding transcript variant (1).
Genome position (GRCh38, 1-based): chr12:109,573,456, G>A on the plus strand (C>T on the coding strand, the complement: MMAB is on the minus strand). VCF-style: chr12-109573456-G-A. GRCh37 (hg19) VCF-style: chr12-110011261-G-A.
Other names: short protein forms R9C.
Identifiers: ClinVar variation 4753776 (VCV004753776.1).

ClinVar aggregate classification (germline): Uncertain significance (1 of 4 stars; one submission).

Conditions:
Methylmalonic aciduria, cblB type (MACB). Also called: Methylmalonic acidemia cblB type; Vitamin B12-responsive methylmalonic acidemia type cblB; METHYLMALONIC ACIDURIA, VITAMIN B12-RESPONSIVE, DUE TO DEFECT IN SYNTHESIS OF ADENOSYLCOBALAMIN, cblB TYPE. Identifiers: Orphanet 28, Orphanet 79311, MedGen C1855102, MONDO:0009614, OMIM 251110.

gnomAD v4.1: 30 of 1,606,674 alleles (0.0019%); highest among the groups gnomAD compares: Non-Finnish European, 0.0023%; no homozygotes.

Submission:

Labcorp Genetics (formerly Invitae), Labcorp
Classification: Uncertain significance for Methylmalonic aciduria, cblB type. Last evaluated: 2025-02-13. Review status: criteria provided, single submitter. Criteria: Invitae Variant Classification Sherloc (09022015). Collection method: clinical testing. Allele origin: germline.
Comment: This sequence change replaces arginine, which is basic and polar, with cysteine, which is neutral and slightly polar, at codon 9 of the MMAB protein (p.Arg9Cys). This variant is present in population databases (rs745645666, gnomAD 0.007%). This variant has not been reported in the literature in individuals affected with MMAB-related conditions. Invitae Evidence Modeling of protein sequence and biophysical properties (such as structural, functional, and spatial information, amino acid conservation, physicochemical variation, residue mobility, and thermodynamic stability) indicates that this missense variant is not expected to disrupt MMAB protein function with a negative predictive value of 95%. In summary, the available evidence is currently insufficient to determine the role of this variant in disease. Therefore, it has been classified as a Variant of Uncertain Significance.